The following is an entry in ClinVar:

NM_000257.4(MYH7):c.383A>G (p.Tyr128Cys)

Gene: MYH7 (myosin heavy chain 7; minus strand). Cytogenetic location: 14q11.2.
Variant type: single nucleotide variant.
Coding change: c.383A>G on transcript NM_000257.4 (MANE Select); coding-DNA position 383, A replaced by G.
Protein change: p.Tyr128Cys; replaces tyrosine 128 with cysteine.
Molecular consequence: missense variant.
Genome position (GRCh38, 1-based): chr14:23,432,758, T>C on the plus strand (A>G on the coding strand, the complement: MYH7 is on the minus strand). VCF-style: chr14-23432758-T-C. GRCh37 (hg19) VCF-style: chr14-23901967-T-C.
Other names: c.383A>G, p.Tyr128Cys (NM_001407004.1); short protein forms Y128C.
Identifiers: ClinVar variation 4801962 (VCV004801962.1).

ClinVar aggregate classification (germline): Uncertain significance (1 of 4 stars; one submission).

Conditions:
Hypertrophic cardiomyopathy. Also called: HYPERTROPHIC MYOCARDIOPATHY. Identifiers: Orphanet 217569, MedGen C0007194, MeSH D002312, MONDO:0005045, HP:0001639.

Submission:

Labcorp Genetics (formerly Invitae), Labcorp
Classification: Uncertain significance for Hypertrophic cardiomyopathy. Last evaluated: 2025-07-29. Review status: criteria provided, single submitter. Criteria: Invitae Variant Classification Sherloc (09022015). Collection method: clinical testing. Allele origin: germline.
Comment: This sequence change replaces tyrosine, which is neutral and polar, with cysteine, which is neutral and slightly polar, at codon 128 of the MYH7 protein (p.Tyr128Cys). This variant is not present in population databases (gnomAD no frequency). This variant has not been reported in the literature in individuals affected with MYH7-related conditions. Invitae Evidence Modeling of protein sequence and biophysical properties (such as structural, functional, and spatial information, amino acid conservation, physicochemical variation, residue mobility, and thermodynamic stability) indicates that this missense variant is expected to disrupt MYH7 protein function with a positive predictive value of 95%. In summary, the available evidence is currently insufficient to determine the role of this variant in disease. Therefore, it has been classified as a Variant of Uncertain Significance.